The following is an entry in ClinVar:

ClinVar aggregate classification (germline): Likely benign (1 of 4 stars; one submission).

Allele frequency attached by ClinVar (database versions not stated): gnomAD 0.00027; TOPMed 0.00034; gnomAD exomes 0.00043.
gnomAD v4.1: 151 of 398,722 alleles (0.038%); highest among the groups gnomAD compares: Non-Finnish European, 0.033%; 1 homozygote.

Submission:

CeGaT Center for Human Genetics Tuebingen
Classification: Likely benign. Last evaluated: 2026-01-01. Review status: criteria provided, single submitter. Criteria: CeGaT Center For Human Genetics Tuebingen Variant Classification Criteria Version 2. Collection method: clinical testing. Allele origin: germline. Affected: yes. Observed: 6 variant alleles.
Comment: KCNQ1OT1: BS1

NM_000218.3(KCNQ1):c.1514+4890G>A

Genes: KCNQ1 (potassium voltage-gated channel subfamily Q member 1; plus strand), KCNQ1OT1 (KCNQ1 opposite strand/antisense transcript 1; minus strand). Cytogenetic location: 11p15.5.
Variant type: single nucleotide variant.
Coding change: c.1514+4890G>A on transcript NM_000218.3 (MANE Select); 4890 bases into the intron after coding-DNA position 1514, G replaced by A.
Molecular consequence: intron variant. On other transcripts: non-coding transcript variant (1).
Genome position (GRCh38, 1-based): chr11:2,666,971, G>A. VCF-style: chr11-2666971-G-A. GRCh37 (hg19) VCF-style: chr11-2688201-G-A.
Other names: c.1244+4890G>A (NM_001406837.1); c.1418+4890G>A (NM_001406836.1); c.974+4890G>A (NM_001406838.1); c.1133+4890G>A (NM_181798.2).
Identifiers: ClinVar variation 3067518 (VCV003067518.21), dbSNP rs536499927, ClinGen allele CA216175263.